The following is an entry in ClinVar:

NM_000444.6(PHEX):c.1899+6T>G

Genes: PHEX (phosphate regulating endopeptidase X-linked; plus strand), PTCHD1-AS (PTCHD1 and PHEX antisense RNA; minus strand). Cytogenetic location: Xp22.11.
Variant type: single nucleotide variant.
Coding change: c.1899+6T>G on transcript NM_000444.6 (MANE Select); 6 bases into the intron after coding-DNA position 1899, T replaced by G.
Molecular consequence: intron variant.
Genome position (GRCh38, 1-based): chrX:22,221,749, T>G. VCF-style: chrX-22221749-T-G. GRCh37 (hg19) VCF-style: chrX-22239866-T-G.
Other names: c.1899+6T>G (NM_001282754.2).
Identifiers: ClinVar variation 4819528 (VCV004819528.1).
Genomic context (GRCh38, chrX:22,221,749, plus strand): 5'-AAAATGCATGATTAACCAGTATAGCAACTATTATTGGAAGAAAGCTGGCTTAAATGTGAG[T>G]ACAACTGTGGCTAAGGGGGGCACCTTGTGGTTCATTTTTCCTCATTTGGACATTAGCTTG-3'

ClinVar aggregate classification (germline): Uncertain significance (1 of 4 stars; one submission).

Submission:

GeneDx
Classification: Uncertain significance. Last evaluated: 2025-10-06. Review status: criteria provided, single submitter. Criteria: GeneDx Variant Classification Process June 2021. Collection method: clinical testing. Allele origin: germline. Affected: yes.
Comment: Not observed at significant frequency in large population cohorts (gnomAD); In silico analysis supports a deleterious effect on splicing; Has not been previously published as pathogenic or benign to our knowledge